The following is an entry in ClinVar:

ClinVar aggregate classification (germline): Conflicting classifications of pathogenicity. Review status: criteria provided, conflicting classifications (1 of 4 stars). 2 submissions from 2 submitters: Uncertain significance (1); Benign (1). Last evaluated 2025-05-18.

Conditions:
Congenital contractural arachnodactyly (CCA). Also called: BEALS SYNDROME; Beals-Hecht syndrome; Arthrogryposis, distal, type 9. Identifiers: Orphanet 115, MedGen C0220668, MONDO:0007363, OMIM 121050.
Familial thoracic aortic aneurysm and aortic dissection (TAAD). Also called: Thoracic aortic aneurysms and dissections. Identifiers: Orphanet 91387, MedGen C4707243, MONDO:0019625.

Allele frequency attached by ClinVar (database versions not stated): gnomAD 0.00002 and 0.00001; gnomAD exomes 0.00003 and 0.00001; TOPMed 0.00003; ExAC 0.00005; 1000 Genomes Project 30x 0.00016; 1000 Genomes Project 0.00020.
gnomAD v4.1: 14 of 1,614,022 alleles (0.00087%); highest among the groups gnomAD compares: South Asian, 0.0044%; no homozygotes.

Submissions (2):

Labcorp Genetics (formerly Invitae), Labcorp
Classification: Benign for Congenital contractural arachnodactyly. Last evaluated: 2025-05-18. Review status: criteria provided, single submitter. Criteria: Invitae Variant Classification Sherloc (09022015). Collection method: clinical testing. Allele origin: germline.

Ambry Genetics
Classification: Uncertain significance for Familial thoracic aortic aneurysm and aortic dissection. Last evaluated: 2021-07-03. Review status: criteria provided, single submitter. Criteria: Ambry Variant Classification Scheme 2023. Collection method: clinical testing. Allele origin: germline.
Comment: The p.D2752N variant (also known as c.8254G>A), located in coding exon 64 of the FBN2 gene, results from a G to A substitution at nucleotide position 8254. The aspartic acid at codon 2752 is replaced by asparagine, an amino acid with highly similar properties. This amino acid position is not well conserved in available vertebrate species. In addition, this alteration is predicted to be tolerated by in silico analysis. Since supporting evidence is limited at this time, the clinical significance of this alteration remains unclear.

NM_001999.4(FBN2):c.8254G>A (p.Asp2752Asn)

Gene: FBN2 (fibrillin 2; minus strand). Cytogenetic location: 5q23.3.
Variant type: single nucleotide variant.
Coding change: c.8254G>A on transcript NM_001999.4 (MANE Select); coding-DNA position 8254, G replaced by A.
Protein change: p.Asp2752Asn; replaces aspartic acid 2752 with asparagine.
Molecular consequence: missense variant.
Genome position (GRCh38, 1-based): chr5:128,261,846, C>T on the plus strand (G>A on the coding strand, the complement: FBN2 is on the minus strand). VCF-style: chr5-128261846-C-T. GRCh37 (hg19) VCF-style: chr5-127597538-C-T.
Other names: short protein forms D2752N.
Identifiers: ClinVar variation 665195 (VCV000665195.9), dbSNP rs529742815, ClinGen allele CA3393865.